The following is an entry in ClinVar:

NM_014476.5(PDLIM3):c.-124_*1634dup2853

Genes: PDLIM3 (PDZ and LIM domain 3; minus strand), LOC126807246 (BRD4-independent group 4 enhancer GRCh37_chr4:186434842-186436041; plus strand). Cytogenetic location: 4q35.1.
Variant type: Duplication.
Coding change: c.-124_*1634dup2853 on transcript NM_014476.5; 124 bases upstream of the start codon through 1634 bases downstream of the stop codon, this stretch duplicated.
Identifiers: ClinVar variation 240913 (VCV000240913.1).

ClinVar aggregate classification (germline): Uncertain significance (1 of 4 stars; one submission).

Conditions:
Hypertrophic cardiomyopathy. Also called: HYPERTROPHIC MYOCARDIOPATHY. Identifiers: Orphanet 217569, MedGen C0007194, MeSH D002312, MONDO:0005045, HP:0001639.
Primary dilated cardiomyopathy (DCM). Also called: Dilated Cardiomyopathy. Identifiers: Orphanet 217604, MedGen C0007193, MeSH D002311, MONDO:0005021, HP:0001644. Inheritance: Various modes of inheritance.

Submission:

Labcorp Genetics (formerly Invitae), Labcorp
Classification: Uncertain significance for Hypertrophic cardiomyopathy; Primary dilated cardiomyopathy. Last evaluated: 2016-04-13. Review status: criteria provided, single submitter. Criteria: Invitae Variant Classification Sherloc (09022015). Collection method: clinical testing. Allele origin: germline.
Comment: A gross duplication of the genomic region encompassing the full coding sequence of the PDLIM3 gene has been identified. The boundaries of this event are unknown as the duplication extends beyond the assayed region for this gene and therefore may encompass additional genes. As the precise location of this duplication is unknown, it may be in tandem or it may be located elsewhere in the genome. Duplications of the entire sequence of the PDLIM3 gene have not been reported in the literature. In summary, this is a novel duplication of the PDLIM3 gene of uncertain clinical relevance. It has been classified as a Variant of Uncertain Significance.